The following is an entry in ClinVar:

NM_006019.4(TCIRG1):c.2415-3C>T

Gene: TCIRG1 (T cell immune regulator 1, ATPase H+ transporting V0 subunit a3; plus strand). Cytogenetic location: 11q13.2.
Variant type: single nucleotide variant.
Coding change: c.2415-3C>T on transcript NM_006019.4 (MANE Select); 3 bases into the intron before coding-DNA position 2415, C replaced by T.
Molecular consequence: intron variant.
Genome position (GRCh38, 1-based): chr11:68,050,738, C>T. VCF-style: chr11-68050738-C-T. GRCh37 (hg19) VCF-style: chr11-67818205-C-T.
Other names: c.1521-3C>T (NM_001351059.2); c.1767-3C>T (NM_006053.4).
Identifiers: ClinVar variation 3673562 (VCV003673562.2).
Genomic context (GRCh38, chr11:68,050,738, plus strand): 5'-CACTGGCCTGGGCTGCTCAAGGCGTGAGTTCCCCTCACCAACCCCTCTGCTTCTCACCCC[C>T]AGGGTGGAATTCCAGAACAAGTTCTACTCAGGCACGGGCTACAAGCTGAGTCCCTTCACC-3'

ClinVar aggregate classification (germline): Uncertain significance (1 of 4 stars; one submission).

Submission:

Labcorp Genetics (formerly Invitae), Labcorp
Classification: Uncertain significance. Last evaluated: 2025-01-06. Review status: criteria provided, single submitter. Criteria: Invitae Variant Classification Sherloc (09022015). Collection method: clinical testing. Allele origin: germline.
Comment: This sequence change falls in intron 19 of the TCIRG1 gene. It does not directly change the encoded amino acid sequence of the TCIRG1 protein. It affects a nucleotide within the consensus splice site. This variant is not present in population databases (gnomAD no frequency). This variant has not been reported in the literature in individuals affected with TCIRG1-related conditions. Variants that disrupt the consensus splice site are a relatively common cause of aberrant splicing (PMID: 17576681, 9536098). Algorithms developed to predict the effect of sequence changes on RNA splicing suggest that this variant is not likely to affect RNA splicing. In summary, the available evidence is currently insufficient to determine the role of this variant in disease. Therefore, it has been classified as a Variant of Uncertain Significance.

Literature cited by the submitters: PubMed 17576681; PubMed 9536098.